The following is an entry in ClinVar:

NM_000492.4(CFTR):c.3146G>A (p.Ser1049Asn)

Genes: CFTR (CF transmembrane conductance regulator; plus strand), CFTR-AS2 (CFTR antisense RNA 2; minus strand), LOC111674472 (DNase I hypersensitive sites in introns 16 and 17a of CFTR; plus strand). Cytogenetic location: 7q31.2.
Variant type: single nucleotide variant.
Coding change: c.3146G>A on transcript NM_000492.4 (MANE Select); coding-DNA position 3146, G replaced by A.
Protein change: p.Ser1049Asn; replaces serine 1049 with asparagine.
Molecular consequence: missense variant.
Genome position (GRCh38, 1-based): chr7:117,611,587, G>A. VCF-style: chr7-117611587-G-A. GRCh37 (hg19) VCF-style: chr7-117251641-G-A.
Other names: short protein forms S1049N.
Identifiers: ClinVar variation 2453626 (VCV002453626.2), dbSNP rs1211644692, ClinGen allele CA368991749.

ClinVar aggregate classification (germline): Uncertain significance (1 of 4 stars; one submission).

Conditions:
Cystic fibrosis (CF). Also called: MUCOVISCIDOSIS. Identifiers: Orphanet 586, MedGen C0010674, MONDO:0009061, OMIM 219700. Disease mechanism: loss of function.

Allele frequency attached by ClinVar (database versions not stated): gnomAD exomes below 0.00001.
gnomAD v4.1: 3 of 1,596,654 alleles (0.00019%); highest among the groups gnomAD compares: Non-Finnish European, 0.00026%; no homozygotes.

Submission:

Ambry Genetics
Classification: Uncertain significance for Cystic fibrosis. Last evaluated: 2022-12-16. Review status: criteria provided, single submitter. Criteria: Ambry Variant Classification Scheme 2023. Collection method: clinical testing. Allele origin: germline.
Comment: The p.S1049N variant (also known as c.3146G>A), located in coding exon 20 of the CFTR gene, results from a G to A substitution at nucleotide position 3146. The serine at codon 1049 is replaced by asparagine, an amino acid with highly similar properties. This amino acid position is conserved. In addition, the in silico prediction for this alteration is inconclusive. Since supporting evidence is limited at this time, the clinical significance of this alteration remains unclear.